The following is an entry in ClinVar:

ClinVar aggregate classification (germline): Uncertain significance. Review status: criteria provided, multiple submitters, no conflicts (2 of 4 stars). 4 submissions from 4 submitters: Uncertain significance (4). Last evaluated 2026-04-29.

Conditions:
Autosomal recessive nonsyndromic hearing loss 48. Also called: Deafness, autosomal recessive 48; Usher Syndrome Type 1J. Identifiers: Orphanet 231169, Orphanet 886, Orphanet 90636, MedGen C1836199, MONDO:0012273, OMIM 609439.

Allele frequency attached by ClinVar (database versions not stated): ESP Exome Variant Server 0.00008; ExAC 0.00002; gnomAD 0.00003 and 0.00004; gnomAD exomes 0.00003; TOPMed 0.00003.
gnomAD v4.1: 94 of 1,613,506 alleles (0.0058%); highest among the groups gnomAD compares: Non-Finnish European, 0.0069%; no homozygotes.

Submissions (4):

GeneDx
Classification: Uncertain significance. Last evaluated: 2026-04-29. Review status: criteria provided, single submitter. Criteria: GeneDx Variant Classification Process June 2021. Collection method: clinical testing. Allele origin: germline.
Comment: In silico analysis suggests that this missense variant does not alter protein structure/function; Has not been previously published as pathogenic or benign to our knowledge

Dasa
Classification: Uncertain significance for Autosomal recessive nonsyndromic hearing loss 48. Last evaluated: 2026-03-06. Review status: criteria provided, single submitter. Criteria: DASA Assertion Criteria. Collection method: clinical testing. Allele origin: germline.
Comment: NM_006383.4(CIB2):c.197G>A (p.Arg66Gln) is a missense variant that results in the substitution of arginine with glutamine. The affected residue or protein region has prior evidence supporting clinical relevance. This variant is rare in population databases. Computational prediction algorithms are consistent with a deleterious effect. The currently available literature and clinical evidence are not sufficient to establish a definitive association between this variant and the reported condition. Therefore, this variant is classified as a variant of uncertain significance.

Blueprint Genetics
Classification: Uncertain significance. Last evaluated: 2024-11-27. Review status: criteria provided, single submitter. Criteria: ACMG Guidelines, 2015. Collection method: clinical testing. Allele origin: germline.

Labcorp Genetics (formerly Invitae), Labcorp
Classification: Uncertain significance. Last evaluated: 2022-06-08. Review status: criteria provided, single submitter. Criteria: Invitae Variant Classification Sherloc (09022015). Collection method: clinical testing. Allele origin: germline.
Comment: This sequence change replaces arginine, which is basic and polar, with glutamine, which is neutral and polar, at codon 66 of the CIB2 protein (p.Arg66Gln). This variant is present in population databases (rs145631140, gnomAD 0.02%). This variant has not been reported in the literature in individuals affected with CIB2-related conditions. ClinVar contains an entry for this variant (Variation ID: 1042601). Algorithms developed to predict the effect of missense changes on protein structure and function (SIFT, PolyPhen-2, Align-GVGD) all suggest that this variant is likely to be tolerated. In summary, the available evidence is currently insufficient to determine the role of this variant in disease. Therefore, it has been classified as a Variant of Uncertain Significance.

NM_006383.4(CIB2):c.197G>A (p.Arg66Gln)

Gene: CIB2 (calcium and integrin binding family member 2; minus strand). Cytogenetic location: 15q25.1.
Variant type: single nucleotide variant.
Coding change: c.197G>A on transcript NM_006383.4 (MANE Select); coding-DNA position 197, G replaced by A.
Protein change: p.Arg66Gln; replaces arginine 66 with glutamine.
Molecular consequence: missense variant. On other transcripts: intron variant (2).
Genome position (GRCh38, 1-based): chr15:78,111,166, C>T on the plus strand (G>A on the coding strand, the complement: CIB2 is on the minus strand). VCF-style: chr15-78111166-C-T. GRCh37 (hg19) VCF-style: chr15-78403508-C-T.
Other names: c.68G>A, p.Arg23Gln (NM_001271888.2); c.197G>A (NM_006383.3); c.52-1784G>A (NM_001271889.2); c.87-1657G>A (NM_001301224.2); short protein forms R66Q, R23Q.
Identifiers: ClinVar variation 1042601 (VCV001042601.9), dbSNP rs145631140, ClinGen allele CA7680313.
Genomic context (GRCh38, chr15:78,111,166, plus strand): 5'-TCTGCTGCTGGTCCAGAGGCACAGATCCCCTGCTCGCCAGCAAGAGGTCCTGCACATACC[C>T]GGAGCTCTGGCATCTGGATGATGAGGCTCATGGGCACGTGGACGATGGGGCTCTTCCTGT-3'
Protein context (NP_006374.1, residues 56-76): MSLIIQMPEL[Arg66Gln]ENPFKERIVA